The following is an entry in ClinVar:

NM_004006.3(DMD):c.9024_9038dup (p.Tyr3012_Asn3013insLysLeuSerProTyr)

Gene: DMD (dystrophin; minus strand). Cytogenetic location: Xp21.2.
Variant type: Duplication.
Coding change: c.9024_9038dup on transcript NM_004006.3 (MANE Select); coding-DNA positions 9024 to 9038, 15 bases duplicated (GCTCTCACCGTATAA).
Protein change: p.Tyr3012_Asn3013insLysLeuSerProTyr.
Genome position (GRCh38, 1-based): chrX:31,444,527-31,444,541, TTATACGGTGAGAGC duplicated on the plus strand (GCTCTCACCGTATAA on the coding strand, the reverse complement: DMD is on the minus strand); duplicating any 15 consecutive bases within chrX:31,444,527-31,444,542 gives the same sequence; the c. name uses the placement nearest the transcript's 3' end. VCF-style (leftmost placement, unchanged base first): chrX-31444526-G-GTTATACGGTGAGAGC. GRCh37 (hg19) VCF-style: chrX-31462643-G-GTTATACGGTGAGAGC.
Other names: c.9000_9014dup, p.Tyr3004_Asn3005insLysLeuSerProTyr (NM_000109.4); c.9012_9026dup, p.Tyr3008_Asn3009insLysLeuSerProTyr (NM_004009.3); c.8655_8669dup, p.Tyr2889_Asn2890insLysLeuSerProTyr (NM_004010.3); c.5001_5015dup, p.Tyr1671_Asn1672insLysLeuSerProTyr (NM_004011.4); c.4992_5006dup, p.Tyr1668_Asn1669insLysLeuSerProTyr (NM_004012.4); c.1644_1658dup, p.Tyr552_Asn553insLysLeuSerProTyr (NM_004013.3, NM_004020.4, NM_004021.3 and 2 more transcripts); c.837_851dup, p.Tyr283_Asn284insLysLeuSerProTyr (NM_004014.3).
Identifiers: ClinVar variation 3679495 (VCV003679495.2).

ClinVar aggregate classification (germline): Uncertain significance (1 of 4 stars; one submission).

Conditions:
Duchenne muscular dystrophy (DMD). Also called: MUSCULAR DYSTROPHY, PSEUDOHYPERTROPHIC PROGRESSIVE, DUCHENNE TYPE; Duchenne Muscular Dystrophy (DMD). Identifiers: Orphanet 98896, MedGen C0013264, MONDO:0010679, OMIM 310200.

Submission:

Labcorp Genetics (formerly Invitae), Labcorp
Classification: Uncertain significance for Duchenne muscular dystrophy. Last evaluated: 2024-06-25. Review status: criteria provided, single submitter. Criteria: Invitae Variant Classification Sherloc (09022015). Collection method: clinical testing. Allele origin: germline.
Comment: This variant, c.9024_9038dup, results in the insertion of 5 amino acid(s) of the DMD protein (p.Tyr3012_Asn3013insLysLeuSerProTyr), but otherwise preserves the integrity of the reading frame. This variant is not present in population databases (gnomAD no frequency). This variant has not been reported in the literature in individuals affected with DMD-related conditions. In summary, the available evidence is currently insufficient to determine the role of this variant in disease. Therefore, it has been classified as a Variant of Uncertain Significance.